The following is an entry in ClinVar:

NM_004415.4(DSP):c.5721G>C (p.Lys1907Asn)

Gene: DSP (desmoplakin; plus strand). Cytogenetic location: 6p24.3.
Variant type: single nucleotide variant.
Coding change: c.5721G>C on transcript NM_004415.4 (MANE Select); coding-DNA position 5721, G replaced by C.
Protein change: p.Lys1907Asn; replaces lysine 1907 with asparagine.
Molecular consequence: missense variant.
Genome position (GRCh38, 1-based): chr6:7,582,983, G>C. VCF-style: chr6-7582983-G-C. GRCh37 (hg19) VCF-style: chr6-7583216-G-C.
Other names: c.3924G>C, p.Lys1308Asn (NM_001008844.3); c.4392G>C, p.Lys1464Asn (NM_001319034.2); short protein forms K1308N, K1464N, K1907N.
Identifiers: ClinVar variation 3386693 (VCV003386693.2).

ClinVar aggregate classification (germline): Uncertain significance. Review status: criteria provided, multiple submitters, no conflicts (2 of 4 stars). 2 submissions from 2 submitters: Uncertain significance (2). Last evaluated 2025-08-30.

Conditions:
Cardiovascular phenotype. Identifiers: MedGen CN230736.
Arrhythmogenic cardiomyopathy with wooly hair and keratoderma. Also called: Carvajal syndrome; PALMOPLANTAR KERATODERMA WITH LEFT VENTRICULAR CARDIOMYOPATHY AND WOOLLY HAIR; Dilated cardiomyopathy with woolly hair and keratoderma; Arrhythmogenic cardiomyopathy with woolly hair and keratoderma. Identifiers: Orphanet 65282, MedGen C1854063, MONDO:0011581, OMIM 605676.

Submissions (2):

Ambry Genetics
Classification: Uncertain significance for Cardiovascular phenotype. Last evaluated: 2025-08-30. Review status: criteria provided, single submitter. Criteria: Ambry Variant Classification Scheme 2023. Collection method: clinical testing. Allele origin: germline.
Comment: The p.K1907N variant (also known as c.5721G>C), located in coding exon 24 of the DSP gene, results from a G to C substitution at nucleotide position 5721. The lysine at codon 1907 is replaced by asparagine, an amino acid with similar properties. This amino acid position is conserved. In addition, this alteration is predicted to be tolerated by in silico analysis. Based on the available evidence, the clinical significance of this variant remains unclear.

All of Us Research Program, National Institutes of Health
Classification: Uncertain significance for Arrhythmogenic cardiomyopathy with wooly hair and keratoderma. Last evaluated: 2024-04-25. Review status: criteria provided, single submitter. Criteria: ACMG Guidelines, 2015. Collection method: clinical testing. Allele origin: germline. Inheritance: Autosomal dominant inheritance. Observed: 1 variant allele, 1 heterozygote.
Comment: This missense variant replaces lysine with asparagine at codon 1907 of the DSP protein. Computational prediction suggests that this variant may not impact protein structure and function (internally defined REVEL score threshold <= 0.5, PMID: 27666373). To our knowledge, functional studies have not been reported for this variant. This variant has not been reported in individuals affected with DSP-related disorders in the literature. This variant has been identified in 2/251226 chromosomes in the general population by the Genome Aggregation Database (gnomAD). The available evidence is insufficient to determine the role of this variant in disease conclusively. Therefore, this variant is classified as a Variant of Uncertain Significance.

This study involves interpretation of variants in research participants for the purpose of population health screening. Participant phenotype was not available at the time of variant classification. Additional details can be found in publication PMID: 35346344, PMCID: PMC8962531